The following is an entry in ClinVar:

ClinVar aggregate classification (germline): Uncertain significance (1 of 4 stars; one submission).

Conditions:
Dyskeratosis congenita. Identifiers: Orphanet 1775, MedGen C0265965, MONDO:0015780.

Allele frequency attached by ClinVar (database versions not stated): ExAC 0.00001; gnomAD exomes 0.00001; TOPMed 0.00002.
gnomAD v4.1: 9 of 1,614,214 alleles (0.00056%); highest among the groups gnomAD compares: Non-Finnish European, 0.00068%; no homozygotes.

Submission:

Labcorp Genetics (formerly Invitae), Labcorp
Classification: Uncertain significance for Dyskeratosis congenita. Last evaluated: 2021-07-14. Review status: criteria provided, single submitter. Criteria: Invitae Variant Classification Sherloc (09022015). Collection method: clinical testing. Allele origin: germline.
Comment: This sequence change affects an acceptor splice site in intron 1 of the NHP2 gene. It is expected to disrupt RNA splicing. Variants that disrupt the donor or acceptor splice site typically lead to a loss of protein function (PMID: 16199547), however the current clinical and genetic evidence is not sufficient to establish whether loss-of-function variants in NHP2 cause disease. This variant is present in population databases (rs766032992, ExAC 0.002%). This variant has not been reported in the literature in individuals affected with NHP2-related conditions. Algorithms developed to predict the effect of sequence changes on RNA splicing suggest that this variant may disrupt the consensus splice site. In summary, the available evidence is currently insufficient to determine the role of this variant in disease. Therefore, it has been classified as a Variant of Uncertain Significance.

Literature cited by the submitters: PubMed 16199547.

NM_017838.4(NHP2):c.161-2A>T

Gene: NHP2 (NHP2 ribonucleoprotein; minus strand). Cytogenetic location: 5q35.3.
Variant type: single nucleotide variant.
Coding change: c.161-2A>T on transcript NM_017838.4 (MANE Select); the canonical splice acceptor site of the intron before coding-DNA position 161, A replaced by T.
Molecular consequence: splice acceptor variant.
Genome position (GRCh38, 1-based): chr5:178,153,562, T>A on the plus strand (A>T on the coding strand, the complement: NHP2 is on the minus strand). VCF-style: chr5-178153562-T-A. GRCh37 (hg19) VCF-style: chr5-177580563-T-A.
Other names: c.161-2A>T (NM_001034833.2, NM_001396110.1).
Identifiers: ClinVar variation 1418785 (VCV001418785.5), dbSNP rs766032992, ClinGen allele CA3589234.